The following is an entry in ClinVar:

ClinVar aggregate classification (germline): Likely benign. Review status: criteria provided, multiple submitters, no conflicts (2 of 4 stars). 2 submissions from 2 submitters: Likely benign (2). Last evaluated 2018-06-14.

Allele frequency attached by ClinVar (database versions not stated): gnomAD exomes 0.00053 and 0.00140; ExAC 0.00254; 1000 Genomes Project 30x 0.00547; 1000 Genomes Project 0.00559; ESP Exome Variant Server 0.00599; gnomAD 0.00600 and 0.00648; TOPMed 0.00657.
gnomAD v4.1: 1,666 of 1,531,362 alleles (0.11%); highest among the groups gnomAD compares: African/African-American, 2.1%; 17 homozygotes.

Submissions (2):

GeneDx
Classification: Likely benign. Last evaluated: 2018-06-14. Review status: criteria provided, single submitter. Criteria: GeneDx Variant Classification (06012015). Collection method: clinical testing. Allele origin: germline. Affected: yes.
Comment: This variant is considered likely benign or benign based on one or more of the following criteria: it is a conservative change, it occurs at a poorly conserved position in the protein, it is predicted to be benign by multiple in silico algorithms, and/or has population frequency not consistent with disease.

PreventionGenetics, part of Exact Sciences
Classification: Likely benign. Review status: criteria provided, single submitter. Criteria: ACMG Guidelines, 2015. Collection method: clinical testing. Allele origin: germline.

NM_000540.3(RYR1):c.2787-41C>G

Gene: RYR1 (ryanodine receptor 1; plus strand). Cytogenetic location: 19q13.2.
Variant type: single nucleotide variant.
Coding change: c.2787-41C>G on transcript NM_000540.3 (MANE Select); 41 bases into the intron before coding-DNA position 2787, C replaced by G.
Molecular consequence: intron variant.
Genome position (GRCh38, 1-based): chr19:38,464,598, C>G. VCF-style: chr19-38464598-C-G. GRCh37 (hg19) VCF-style: chr19-38955238-C-G.
Other names: c.2787-41C>G (NM_001042723.2).
Identifiers: ClinVar variation 256486 (VCV000256486.4), dbSNP rs144985735, ClinGen allele CA064044.